The following is an entry in ClinVar:

NM_003076.5(SMARCD1):c.278A>G (p.Gln93Arg)

Gene: SMARCD1 (SWI/SNF related BAF chromatin remodeling complex subunit D1; plus strand). Cytogenetic location: 12q13.12.
Variant type: single nucleotide variant.
Coding change: c.278A>G on transcript NM_003076.5 (MANE Select); coding-DNA position 278, A replaced by G.
Protein change: p.Gln93Arg; replaces glutamine 93 with arginine.
Molecular consequence: missense variant.
Genome position (GRCh38, 1-based): chr12:50,086,261, A>G. VCF-style: chr12-50086261-A-G. GRCh37 (hg19) VCF-style: chr12-50480044-A-G.
Other names: c.278A>G, p.Gln93Arg (NM_139071.3); short protein forms Q93R.
Identifiers: ClinVar variation 3368736 (VCV003368736.1).
Genomic context (GRCh38, chr12:50,086,261, plus strand): 5'-GACCTTCCATGGGACCCCCTGGCTATGGGGGGAACCCTTCAGTCCGACCTGGCCTGGCCC[A>G]GTCAGGGATGGATCAGTCCCGCAAGAGACCTGCCCCTCAGCAGATCCAGCAGGTCCAGCA-3'
Protein context (NP_003067.3, residues 83-103): GNPSVRPGLA[Gln93Arg]SGMDQSRKRP

ClinVar aggregate classification (germline): Uncertain significance (1 of 4 stars; one submission).

Submission:

GeneDx
Classification: Uncertain significance. Last evaluated: 2024-02-04. Review status: criteria provided, single submitter. Criteria: GeneDx Variant Classification Process June 2021. Collection method: clinical testing. Allele origin: germline. Affected: yes.
Comment: Not observed at significant frequency in large population cohorts (gnomAD); In silico analysis supports that this missense variant does not alter protein structure/function; Has not been previously published as pathogenic or benign to our knowledge